The following is an entry in ClinVar:

ClinVar aggregate classification (germline): Pathogenic (1 of 4 stars; one submission).

Conditions:
Amyloidosis, hereditary systemic 1 (AMYLD1). Also called: AMYLOID CARDIOMYOPATHY; Hereditary oculoleptomeningeal amyloid angiopathy; Familial Transthyretin Amyloidosis; Isolated Cardiac Amyloidosis; Amyloid Cardiomyopathy, Transthyretin-related; Familial amyloid polyneuropathy. Identifiers: Orphanet 85447, Orphanet 85451, MedGen C2751492, MONDO:0971004, OMIM 105210.

Submission:

Labcorp Genetics (formerly Invitae), Labcorp
Classification: Pathogenic for Amyloidosis, hereditary systemic 1. Last evaluated: 2022-09-22. Review status: criteria provided, single submitter. Criteria: Invitae Variant Classification Sherloc (09022015). Collection method: clinical testing. Allele origin: germline.
Comment: This missense change has been observed in individual(s) with Familial Transthyretin Amyloidosis (PMID: 7655883, 16076613, 17028027, 19467548). For these reasons, this variant has been classified as Pathogenic. Advanced modeling of protein sequence and biophysical properties (such as structural, functional, and spatial information, amino acid conservation, physicochemical variation, residue mobility, and thermodynamic stability) performed at Invitae indicates that this missense variant is expected to disrupt TTR protein function. This variant is also known as p.Lys35Asn. This variant is not present in population databases (gnomAD no frequency). This sequence change replaces lysine, which is basic and polar, with asparagine, which is neutral and polar, at codon 55 of the TTR protein (p.Lys55Asn).

Literature cited by the submitters: PubMed 7655883; PubMed 16076613; PubMed 17028027; PubMed 19467548.

NM_000371.4(TTR):c.165G>C (p.Lys55Asn)

Gene: TTR (transthyretin; plus strand). Cytogenetic location: 18q12.1.
Variant type: single nucleotide variant.
Coding change: c.165G>C on transcript NM_000371.4 (MANE Select); coding-DNA position 165, G replaced by C.
Protein change: p.Lys55Asn; replaces lysine 55 with asparagine.
Molecular consequence: missense variant.
Genome position (GRCh38, 1-based): chr18:31,592,991, G>C. VCF-style: chr18-31592991-G-C. GRCh37 (hg19) VCF-style: chr18-29172954-G-C.
Other names: short protein forms K55N.
Identifiers: ClinVar variation 2138145 (VCV002138145.4), dbSNP rs1567945684, ClinGen allele CA402156813.
Genomic context (GRCh38, chr18:31,592,991, plus strand): 5'-AGTTCTAGATGCTGTCCGAGGCAGTCCTGCCATCAATGTGGCCGTGCATGTGTTCAGAAA[G>C]GCTGCTGATGACACCTGGGAGCCATTTGCCTCTGGGTAAGTTGCCAAAGAACCCTCCCAC-3'
Protein context (NP_000362.1, residues 45-65): AINVAVHVFR[Lys55Asn]AADDTWEPFA